The following is an entry in ClinVar:

NM_000435.3(NOTCH3):c.6102C>G (p.Pro2034=)

Gene: NOTCH3 (notch receptor 3; minus strand). Cytogenetic location: 19p13.12.
Variant type: single nucleotide variant.
Coding change: c.6102C>G on transcript NM_000435.3 (MANE Select); coding-DNA position 6102, C replaced by G.
Protein change: p.Pro2034=; no amino-acid change (proline 2034 retained).
Molecular consequence: synonymous variant.
Genome position (GRCh38, 1-based): chr19:15,161,526, G>C on the plus strand (C>G on the coding strand, the complement: NOTCH3 is on the minus strand). VCF-style: chr19-15161526-G-C. GRCh37 (hg19) VCF-style: chr19-15272337-G-C.
Identifiers: ClinVar variation 1675728 (VCV001675728.33), dbSNP rs114887570, ClinGen allele CA305758679.

ClinVar aggregate classification (germline): Likely benign (1 of 4 stars; one submission).

gnomAD v4.1: 16 of 1,598,280 alleles (0.001%); highest among the groups gnomAD compares: South Asian, 0.0023%; no homozygotes.

Submission:

CeGaT Center for Human Genetics Tuebingen
Classification: Likely benign. Last evaluated: 2022-03-01. Review status: criteria provided, single submitter. Criteria: CeGaT Center For Human Genetics Tuebingen Variant Classification Criteria Version 2. Collection method: clinical testing. Allele origin: germline. Affected: yes. Observed: 1 variant allele.
Comment: NOTCH3: BP4, BP7